The following is an entry in ClinVar:

NM_133443.4(GPT2):c.568G>A (p.Gly190Ser)

Gene: GPT2 (glutamic--pyruvic transaminase 2; plus strand). Cytogenetic location: 16q11.2.
Variant type: single nucleotide variant.
Coding change: c.568G>A on transcript NM_133443.4 (MANE Select); coding-DNA position 568, G replaced by A.
Protein change: p.Gly190Ser; replaces glycine 190 with serine.
Molecular consequence: missense variant.
Genome position (GRCh38, 1-based): chr16:46,906,967, G>A. VCF-style: chr16-46906967-G-A. GRCh37 (hg19) VCF-style: chr16-46940879-G-A.
Other names: c.268G>A, p.Gly90Ser (NM_001142466.3); short protein forms G190S, G90S.
Identifiers: ClinVar variation 4687043 (VCV004687043.1).
Genomic context (GRCh38, chr16:46,906,967, plus strand): 5'-AGGGATGGCGGTGTGCCTGCGGACCCCGACAACATCTACCTGACCACGGGAGCTAGTGAC[G>A]GCATTTCTGTACGTGTGAGGGTGGCTCGTTGTTATCCGGTGTTTACCCACATGAAGAGCA-3'
Protein context (NP_597700.1, residues 180-200): NIYLTTGASD[Gly190Ser]ISTILKILVS

ClinVar aggregate classification (germline): Uncertain significance (1 of 4 stars; one submission).

Submission:

GeneDx
Classification: Uncertain significance. Last evaluated: 2025-07-24. Review status: criteria provided, single submitter. Criteria: GeneDx Variant Classification Process June 2021. Collection method: clinical testing. Allele origin: germline. Affected: yes.
Comment: Not observed at significant frequency in large population cohorts (gnomAD); In silico analysis supports that this missense variant has a deleterious effect on protein structure/function; Has not been previously published as pathogenic or benign to our knowledge